The following is an entry in ClinVar:

NM_201384.3(PLEC):c.1490C>T (p.Ala497Val)

Gene: PLEC (plectin; minus strand). Cytogenetic location: 8q24.3.
Variant type: single nucleotide variant.
Coding change: c.1490C>T on transcript NM_201384.3 (MANE Select); coding-DNA position 1490, C replaced by T.
Protein change: p.Ala497Val; replaces alanine 497 with valine.
Molecular consequence: missense variant.
Genome position (GRCh38, 1-based): chr8:143,933,040, G>A on the plus strand (C>T on the coding strand, the complement: PLEC is on the minus strand). VCF-style: chr8-143933040-G-A. GRCh37 (hg19) VCF-style: chr8-145007208-G-A.
Other names: c.1571C>T, p.Ala524Val (NM_000445.5); c.1448C>T, p.Ala483Val (NM_201378.4); c.1424C>T, p.Ala475Val (NM_201379.3); c.1901C>T, p.Ala634Val (NM_201380.4); c.1394C>T, p.Ala465Val (NM_201381.3); c.1490C>T, p.Ala497Val (NM_201382.4); c.1502C>T, p.Ala501Val (NM_201383.3); short protein forms A465V, A475V, A501V, A497V, A524V, A634V, A483V.
Identifiers: ClinVar variation 1406002 (VCV001406002.8), dbSNP rs782639948, ClinGen allele CA4927941.

ClinVar aggregate classification (germline): Uncertain significance. Review status: criteria provided, multiple submitters, no conflicts (2 of 4 stars). 2 submissions from 2 submitters: Uncertain significance (2). Last evaluated 2025-07-28.

Conditions:
Epidermolysis bullosa simplex 5C, with pyloric atresia (EBS5C). Also called: Epidermolysis bullosa simplex with pyloric atresia; PLEC-Related Epidermolysis Bullosa with Pyloric Atresia; PLEC1-Related Epidermolysis Bullosa with Pyloric Atresia. Identifiers: Orphanet 158684, MedGen C2677349, MONDO:0012807, OMIM 612138.
Epidermolysis bullosa simplex with nail dystrophy (EBS5D). Identifiers: MedGen C4225309, MONDO:0014661, OMIM 616487.
Epidermolysis bullosa simplex 5B, with muscular dystrophy (EBS5B). Also called: Epidermolysis bullosa simplex with muscular dystrophy; EPIDERMOLYSIS BULLOSA SIMPLEX AND LIMB-GIRDLE MUSCULAR DYSTROPHY. Identifiers: Orphanet 257, MedGen C2931072, MONDO:0009181, OMIM 226670.
Autosomal recessive limb-girdle muscular dystrophy type 2Q (LGMDR17). Also called: MUSCULAR DYSTROPHY, LIMB-GIRDLE, AUTOSOMAL RECESSIVE 17. Identifiers: Orphanet 254361, MedGen C3150989, MONDO:0013390, OMIM 613723.
Epidermolysis bullosa simplex, Ogna type (EBS5A). Also called: Pidermolysis bullosa simplex 5A, Ogna type; EPIDERMOLYSIS BULLOSA SIMPLEX 5A, OGNA TYPE. Identifiers: Orphanet 79401, MedGen C0432317, MONDO:0007555, OMIM 131950.

Allele frequency attached by ClinVar (database versions not stated): gnomAD 0.00001; gnomAD exomes 0.00001; ExAC 0.00002; TOPMed 0.00002.
gnomAD v4.1: 8 of 1,593,948 alleles (0.0005%); highest among the groups gnomAD compares: African/African-American, 0.004%; no homozygotes.

Submissions (2):

Labcorp Genetics (formerly Invitae), Labcorp
Classification: Uncertain significance for Autosomal recessive limb-girdle muscular dystrophy type 2Q; Epidermolysis bullosa simplex, Ogna type; Epidermolysis bullosa simplex with nail dystrophy; Epidermolysis bullosa simplex 5C, with pyloric atresia; Epidermolysis bullosa simplex 5B, with muscular dystrophy. Last evaluated: 2025-07-28. Review status: criteria provided, single submitter. Criteria: Invitae Variant Classification Sherloc (09022015). Collection method: clinical testing. Allele origin: germline.
Comment: This sequence change replaces alanine, which is neutral and non-polar, with valine, which is neutral and non-polar, at codon 524 of the PLEC protein (p.Ala524Val). The frequency data for this variant in the population databases is considered unreliable, as metrics indicate poor data quality at this position in the gnomAD database. This variant has not been reported in the literature in individuals affected with PLEC-related conditions. ClinVar contains an entry for this variant (Variation ID: 1406002). Experimental studies and prediction algorithms are not available or were not evaluated, and the functional significance of this variant is currently unknown. In summary, the available evidence is currently insufficient to determine the role of this variant in disease. Therefore, it has been classified as a Variant of Uncertain Significance.

Revvity Omics, Revvity
Classification: Uncertain significance. Last evaluated: 2022-08-10. Review status: criteria provided, single submitter. Criteria: ACMG Guidelines, 2015. Collection method: clinical testing. Allele origin: germline.